The following is an entry in ClinVar:

ClinVar aggregate classification (germline): Uncertain significance (1 of 4 stars; one submission).

Conditions:
Intellectual developmental disorder, autosomal dominant 1. Also called: Intellectual disability, autosomal dominant 1; MBD5 Haploinsufficiency. Identifiers: Orphanet 228402, MedGen C1969562, MONDO:0007974, OMIM 156200.

Allele frequency attached by ClinVar (database versions not stated): ExAC 0.00002.
gnomAD v4.1: 3 of 1,613,928 alleles (0.00019%); highest among the groups gnomAD compares: Non-Finnish European, 0.00025%; no homozygotes.

Submission:

Labcorp Genetics (formerly Invitae), Labcorp
Classification: Uncertain significance for Intellectual developmental disorder, autosomal dominant 1. Last evaluated: 2025-05-02. Review status: criteria provided, single submitter. Criteria: Invitae Variant Classification Sherloc (09022015). Collection method: clinical testing. Allele origin: germline.
Comment: This sequence change replaces glycine, which is neutral and non-polar, with aspartic acid, which is acidic and polar, at codon 556 of the MBD5 protein (p.Gly556Asp). This variant is present in population databases (rs750365107, gnomAD 0.002%). This variant has not been reported in the literature in individuals affected with MBD5-related conditions. ClinVar contains an entry for this variant (Variation ID: 965806). Invitae Evidence Modeling of protein sequence and biophysical properties (such as structural, functional, and spatial information, amino acid conservation, physicochemical variation, residue mobility, and thermodynamic stability) has been performed for this missense variant. However, the output from this modeling did not meet the statistical confidence thresholds required to predict the impact of this variant on MBD5 protein function. In summary, the available evidence is currently insufficient to determine the role of this variant in disease. Therefore, it has been classified as a Variant of Uncertain Significance.

NM_001378120.1(MBD5):c.1667G>A (p.Gly556Asp)

Gene: MBD5 (methyl-CpG binding domain protein 5; plus strand). Cytogenetic location: 2q23.1.
Variant type: single nucleotide variant.
Coding change: c.1667G>A on transcript NM_001378120.1 (MANE Select); coding-DNA position 1667, G replaced by A.
Protein change: p.Gly556Asp; replaces glycine 556 with aspartic acid.
Molecular consequence: missense variant.
Genome position (GRCh38, 1-based): chr2:148,469,610, G>A. VCF-style: chr2-148469610-G-A. GRCh37 (hg19) VCF-style: chr2-149227179-G-A.
Other names: c.1667G>A, p.Gly556Asp (NM_018328.5); short protein forms G556D.
Identifiers: ClinVar variation 965806 (VCV000965806.10), dbSNP rs750365107, ClinGen allele CA1900047.